The following is an entry in ClinVar:

NM_000503.6(EYA1):c.-191C>G

Gene: EYA1 (EYA transcriptional coactivator and phosphatase 1; minus strand). Cytogenetic location: 8q13.3.
Variant type: single nucleotide variant.
Coding change: c.-191C>G on transcript NM_000503.6 (MANE Select); 191 bases upstream of the start codon, C replaced by G.
Molecular consequence: 5 prime UTR variant. On other transcripts: intron variant (5).
Genome position (GRCh38, 1-based): chr8:71,361,783, G>C on the plus strand (C>G on the coding strand, the complement: EYA1 is on the minus strand). VCF-style: chr8-71361783-G-C. GRCh37 (hg19) VCF-style: chr8-72274018-G-C.
Other names: c.-191C>G (NM_001288574.2); c.-475C>G (NM_001288575.2); c.34-5272C>G (NM_001370336.1, NM_001370333.1, NM_172059.5); c.-54-5272C>G (NM_001370335.1, NM_001370334.1).
Identifiers: ClinVar variation 363670 (VCV000363670.6), dbSNP rs55694100, ClinGen allele CA10628295.

ClinVar aggregate classification (germline): Benign/Likely benign. Review status: criteria provided, multiple submitters, no conflicts (2 of 4 stars). 3 submissions from 2 submitters: Benign (2); Likely benign (1). Last evaluated 2018-05-30.

Conditions:
Otofaciocervical syndrome 1 (OTFCS). Identifiers: MedGen C3714941, MONDO:0024532, OMIM 166780.
Branchiootic syndrome 1 (BOS1). Also called: BO SYNDROME 1; BRANCHIOOTIC DYSPLASIA. Identifiers: MedGen C1865143, MONDO:0011258, OMIM 602588.

Allele frequency attached by ClinVar (database versions not stated): gnomAD 0.00629 and 0.00731; TOPMed 0.00672; gnomAD exomes 0.00827; 1000 Genomes Project 30x 0.00843; 1000 Genomes Project 0.00919.
gnomAD v4.1: 8,169 of 985,488 alleles (0.83%); highest among the groups gnomAD compares: South Asian, 3.8%; 66 homozygotes.

Submissions (3):

Blueprint Genetics
Classification: Likely benign. Last evaluated: 2018-05-30. Review status: criteria provided, single submitter. Criteria: ACMG Guidelines, 2015. Collection method: clinical testing. Allele origin: germline.

Illumina Laboratory Services, Illumina
Classification: Benign for Otofaciocervical syndrome 1. Last evaluated: 2018-01-13. Review status: criteria provided, single submitter. Criteria: ICSL Variant Classification Criteria 13 December 2019. Collection method: clinical testing. Allele origin: germline.
Comment: This variant was observed in the ICSL laboratory as part of a predisposition screen in an ostensibly healthy population. It had not been previously curated by ICSL or reported in the Human Gene Mutation Database (HGMD: prior to June 1st, 2018), and was therefore a candidate for classification through an automated scoring system. Utilizing variant allele frequency, disease prevalence and penetrance estimates, and inheritance mode, an automated score was calculated to assess if this variant is too frequent to cause the disease. Based on the score and internal cut-off values, a variant classified as benign is not then subjected to further curation. The score for this variant resulted in a classification of benign for this disease.

Illumina Laboratory Services, Illumina
Classification: Benign for Branchiootic syndrome. Last evaluated: 2018-01-13. Review status: criteria provided, single submitter. Criteria: ICSL Variant Classification Criteria 13 December 2019. Collection method: clinical testing. Allele origin: germline.
Comment: the same text as in the submission from Illumina Laboratory Services, Illumina above.